The following is an entry in ClinVar:

NM_001813.3(CENPE):c.156C>G (p.Val52=)

Gene: CENPE (centromere protein E; minus strand). Cytogenetic location: 4q24.
Variant type: single nucleotide variant.
Coding change: c.156C>G on transcript NM_001813.3 (MANE Select); coding-DNA position 156, C replaced by G.
Protein change: p.Val52=; no amino-acid change (valine 52 retained).
Molecular consequence: synonymous variant.
Genome position (GRCh38, 1-based): chr4:103,196,245, G>C on the plus strand (C>G on the coding strand, the complement: CENPE is on the minus strand). VCF-style: chr4-103196245-G-C. GRCh37 (hg19) VCF-style: chr4-104117402-G-C.
Other names: c.156C>G, p.Val52= (NM_001286734.2).
Identifiers: ClinVar variation 4821715 (VCV004821715.4).

ClinVar aggregate classification (germline): Likely benign (1 of 4 stars; one submission).

gnomAD v4.1: 83 of 1,606,970 alleles (0.0052%); highest among the groups gnomAD compares: Middle Eastern, 0.066%; 1 homozygote.

Submission:

CeGaT Center for Human Genetics Tuebingen
Classification: Likely benign. Last evaluated: 2026-02-01. Review status: criteria provided, single submitter. Criteria: CeGaT Center For Human Genetics Tuebingen Variant Classification Criteria Version 2. Collection method: clinical testing. Allele origin: germline. Affected: yes. Observed: 1 variant allele.
Comment: CENPE: BP4, BP7